The following is an entry in ClinVar:

NM_004817.4(TJP2):c.3549C>T (p.Ala1183=)

Gene: TJP2 (tight junction protein 2; plus strand). Cytogenetic location: 9q21.11.
Variant type: single nucleotide variant.
Coding change: c.3549C>T on transcript NM_004817.4 (MANE Select); coding-DNA position 3549, C replaced by T.
Protein change: p.Ala1183=; no amino-acid change (alanine 1183 retained).
Molecular consequence: synonymous variant.
Genome position (GRCh38, 1-based): chr9:69,254,350, C>T. VCF-style: chr9-69254350-C-T. GRCh37 (hg19) VCF-style: chr9-71869266-C-T.
Other names: c.3480C>T, p.Ala1160= (NM_001369871.1); c.3438C>T, p.Ala1146= (NM_001369872.1); c.3225C>T, p.Ala1075= (NM_001369873.1); c.3120C>T, p.Ala1040= (NM_001369874.1); c.3561C>T, p.Ala1187= (NM_001369875.1); c.3549C>T (NM_004817.3); c.3039C>T, p.Ala1013= (NM_001170414.2); c.3450C>T, p.Ala1150= (NM_001170415.1); and 3 more.
Identifiers: ClinVar variation 2968512 (VCV002968512.5), dbSNP rs778590443, ClinGen allele CA5074014.

ClinVar aggregate classification (germline): Likely benign. Review status: criteria provided, single submitter (1 of 4 stars). 2 submissions from 2 submitters: Likely benign (1). 1 of the submissions does not count toward it. Last evaluated 2024-05-08.

Conditions:
TJP2-related disorder. Also called: TJP2-related condition.

Allele frequency attached by ClinVar (database versions not stated): ExAC 0.00002; TOPMed 0.00002; gnomAD 0.00003; gnomAD exomes 0.00019.
gnomAD v4.1: 278 of 1,614,112 alleles (0.017%); highest among the groups gnomAD compares: Non-Finnish European, 0.023%; no homozygotes.

Submissions (2):

Labcorp Genetics (formerly Invitae), Labcorp
Classification: Likely benign. Last evaluated: 2024-05-08. Review status: criteria provided, single submitter. Criteria: Invitae Variant Classification Sherloc (09022015). Collection method: clinical testing. Allele origin: germline.

PreventionGenetics, part of Exact Sciences
Classification: Likely benign for TJP2-related condition. Last evaluated: 2019-04-29. Review status: no assertion criteria provided. Collection method: clinical testing. Allele origin: germline. Not counted in ClinVar's aggregate classification.
Comment: This variant is classified as likely benign based on ACMG/AMP sequence variant interpretation guidelines (Richards et al. 2015 PMID: 25741868, with internal and published modifications).